The following is an entry in ClinVar:

ClinVar aggregate classification (germline): Likely benign (0 of 4 stars; one submission).

Conditions:
UCHL1-related disorder. Also called: UCHL1-related condition.

Allele frequency attached by ClinVar (database versions not stated): gnomAD 0.00001.
gnomAD v4.1: 25 of 1,537,836 alleles (0.0016%); highest among the groups gnomAD compares: Non-Finnish European, 0.0022%; no homozygotes.

Submission:

PreventionGenetics, part of Exact Sciences
Classification: Likely benign for UCHL1-related condition. Last evaluated: 2020-07-17. Review status: no assertion criteria provided. Collection method: clinical testing. Allele origin: germline.
Comment: This variant is classified as likely benign based on ACMG/AMP sequence variant interpretation guidelines (Richards et al. 2015 PMID: 25741868, with internal and published modifications).

NM_004181.5(UCHL1):c.46-4G>A

Gene: UCHL1 (ubiquitin C-terminal hydrolase L1; plus strand). Cytogenetic location: 4p13.
Variant type: single nucleotide variant.
Coding change: c.46-4G>A on transcript NM_004181.5 (MANE Select); 4 bases into the intron before coding-DNA position 46, G replaced by A.
Molecular consequence: intron variant.
Genome position (GRCh38, 1-based): chr4:41,257,605, G>A. VCF-style: chr4-41257605-G-A. GRCh37 (hg19) VCF-style: chr4-41259622-G-A.
Identifiers: ClinVar variation 3036561 (VCV003036561.2), dbSNP rs771560835, ClinGen allele CA2899911.